The following is an entry in ClinVar:

NM_015103.3(PLXND1):c.3879C>T (p.Phe1293=)

Gene: PLXND1 (plexin D1; minus strand). Cytogenetic location: 3q22.1.
Variant type: single nucleotide variant.
Coding change: c.3879C>T on transcript NM_015103.3 (MANE Select); coding-DNA position 3879, C replaced by T.
Protein change: p.Phe1293=; no amino-acid change (phenylalanine 1293 retained).
Molecular consequence: synonymous variant.
Genome position (GRCh38, 1-based): chr3:129,567,792, G>A on the plus strand (C>T on the coding strand, the complement: PLXND1 is on the minus strand). VCF-style: chr3-129567792-G-A. GRCh37 (hg19) VCF-style: chr3-129286635-G-A.
Identifiers: ClinVar variation 3060694 (VCV003060694.2), dbSNP rs2245278, ClinGen allele CA2608419.

ClinVar aggregate classification (germline): Benign (0 of 4 stars; one submission).

Conditions:
PLXND1-related disorder. Also called: PLXND1-related condition.

Allele frequency attached by ClinVar (database versions not stated): TOPMed 0.25417; gnomAD 0.25648; 1000 Genomes Project 30x 0.25874; ESP Exome Variant Server 0.26342; 1000 Genomes Project 0.26418; ExAC 0.26526.
gnomAD v4.1: 435,539 of 1,605,846 alleles (27%); highest among the groups gnomAD compares: East Asian, 30%; 60,622 homozygotes.

Submission:

PreventionGenetics, part of Exact Sciences
Classification: Benign for PLXND1-related condition. Last evaluated: 2019-06-06. Review status: no assertion criteria provided. Collection method: clinical testing. Allele origin: germline.
Comment: This variant is classified as benign based on ACMG/AMP sequence variant interpretation guidelines (Richards et al. 2015 PMID: 25741868, with internal and published modifications).